The following is an entry in ClinVar:

NM_006662.3(SRCAP):c.3746A>G (p.His1249Arg)

Gene: SRCAP (Snf2 related CREBBP activator protein; plus strand). Cytogenetic location: 16p11.2.
Variant type: single nucleotide variant.
Coding change: c.3746A>G on transcript NM_006662.3 (MANE Select); coding-DNA position 3746, A replaced by G.
Protein change: p.His1249Arg; replaces histidine 1249 with arginine.
Molecular consequence: missense variant.
Genome position (GRCh38, 1-based): chr16:30,722,602, A>G. VCF-style: chr16-30722602-A-G. GRCh37 (hg19) VCF-style: chr16-30733923-A-G.
Other names: short protein forms H1249R.
Identifiers: ClinVar variation 2709986 (VCV002709986.3), dbSNP rs1353441236, ClinGen allele CA395614636.
Genomic context (GRCh38, chr16:30,722,602, plus strand): 5'-TTCTCTCTTCCCTTAACCCAGGGAATGTGGTGCACCTCGTGTCAGCAGGGGGGCAGCACC[A>G]TCTCATCAGCCAGCCTGCCCATGTGGCCCTCATCCAGGCCGTGGCCCCGACCCCTGGCCC-3'
Protein context (NP_006653.2, residues 1239-1259): VHLVSAGGQH[His1249Arg]LISQPAHVAL

ClinVar aggregate classification (germline): Uncertain significance (1 of 4 stars; one submission).

Allele frequency attached by ClinVar (database versions not stated): gnomAD exomes below 0.00001; TOPMed 0.00002.
gnomAD v4.1: 2 of 1,614,034 alleles (0.00012%); highest among the groups gnomAD compares: African/African-American, 0.0013%; no homozygotes.

Submission:

Labcorp Genetics (formerly Invitae), Labcorp
Classification: Uncertain significance. Last evaluated: 2024-01-18. Review status: criteria provided, single submitter. Criteria: Invitae Variant Classification Sherloc (09022015). Collection method: clinical testing. Allele origin: germline.
Comment: This sequence change replaces histidine, which is basic and polar, with arginine, which is basic and polar, at codon 1249 of the SRCAP protein (p.His1249Arg). This variant is present in population databases (no rsID available, gnomAD 0.01%). This variant has not been reported in the literature in individuals affected with SRCAP-related conditions. Experimental studies and prediction algorithms are not available or were not evaluated, and the functional significance of this variant is currently unknown. In summary, the available evidence is currently insufficient to determine the role of this variant in disease. Therefore, it has been classified as a Variant of Uncertain Significance.